The following is an entry in ClinVar:

NM_003051.4(SLC16A1):c.1244T>C (p.Met415Thr)

Gene: SLC16A1 (solute carrier family 16 member 1; minus strand). Cytogenetic location: 1p13.2.
Variant type: single nucleotide variant.
Coding change: c.1244T>C on transcript NM_003051.4 (MANE Select); coding-DNA position 1244, T replaced by C.
Protein change: p.Met415Thr; replaces methionine 415 with threonine.
Molecular consequence: missense variant.
Genome position (GRCh38, 1-based): chr1:112,914,150, A>G on the plus strand (T>C on the coding strand, the complement: SLC16A1 is on the minus strand). VCF-style: chr1-112914150-A-G. GRCh37 (hg19) VCF-style: chr1-113456772-A-G.
Other names: c.1244T>C (NM_003051.3); c.1244T>C, p.Met415Thr (NM_001166496.2); short protein forms M415T.
Identifiers: ClinVar variation 2997134 (VCV002997134.4), dbSNP rs764803533, ClinGen allele CA1011280.

ClinVar aggregate classification (germline): Uncertain significance. Review status: criteria provided, multiple submitters, no conflicts (2 of 4 stars). 2 submissions from 2 submitters: Uncertain significance (2). Last evaluated 2025-08-29.

Conditions:
SLC16A1-related disorder. Also called: SLC16A1-related condition; SLC16A1-related disorders.

Allele frequency attached by ClinVar (database versions not stated): gnomAD exomes below 0.00001; ExAC 0.00001.
gnomAD v4.1: 3 of 1,614,192 alleles (0.00019%); highest among the groups gnomAD compares: South Asian, 0.0011%; no homozygotes.

Submissions (2):

PreventionGenetics, part of Exact Sciences
Classification: Uncertain significance for SLC16A1-related condition. Last evaluated: 2025-08-29. Review status: criteria provided, single submitter. Criteria: ACMG Guidelines, 2015. Collection method: clinical testing. Allele origin: germline.
Comment: The SLC16A1 c.1244T>C variant is predicted to result in the amino acid substitution p.Met415Thr. To our knowledge, this variant has not been reported in the literature. This variant is reported in 0.0033% of alleles in individuals of South Asian descent in gnomAD. At this time, the clinical significance of this variant is uncertain due to the absence of conclusive functional and genetic evidence.

Labcorp Genetics (formerly Invitae), Labcorp
Classification: Uncertain significance. Last evaluated: 2025-05-15. Review status: criteria provided, single submitter. Criteria: Invitae Variant Classification Sherloc (09022015). Collection method: clinical testing. Allele origin: germline.
Comment: This sequence change replaces methionine, which is neutral and non-polar, with threonine, which is neutral and polar, at codon 415 of the SLC16A1 protein (p.Met415Thr). This variant is present in population databases (rs764803533, gnomAD 0.003%). This variant has not been reported in the literature in individuals affected with SLC16A1-related conditions. ClinVar contains an entry for this variant (Variation ID: 2997134). An algorithm developed to predict the effect of missense changes on protein structure and function (PolyPhen-2) suggests that this variant is likely to be tolerated. In summary, the available evidence is currently insufficient to determine the role of this variant in disease. Therefore, it has been classified as a Variant of Uncertain Significance.